The following is an entry in ClinVar:

ClinVar aggregate classification (germline): Uncertain significance (1 of 4 stars; one submission).

Submission:

Labcorp Genetics (formerly Invitae), Labcorp
Classification: Uncertain significance. Last evaluated: 2025-01-29. Review status: criteria provided, single submitter. Criteria: Invitae Variant Classification Sherloc (09022015). Collection method: clinical testing. Allele origin: germline.
Comment: This sequence change replaces leucine, which is neutral and non-polar, with serine, which is neutral and polar, at codon 2029 of the DSCAML1 protein (p.Leu2029Ser). This variant is not present in population databases (gnomAD no frequency). This variant has not been reported in the literature in individuals affected with DSCAML1-related conditions. An algorithm developed to predict the effect of missense changes on protein structure and function (PolyPhen-2) suggests that this variant is likely to be tolerated. In summary, the available evidence is currently insufficient to determine the role of this variant in disease. Therefore, it has been classified as a Variant of Uncertain Significance.

NM_020693.4(DSCAML1):c.5906T>C (p.Leu1969Ser)

Gene: DSCAML1 (DS cell adhesion molecule like 1; minus strand). Cytogenetic location: 11q23.3.
Variant type: single nucleotide variant.
Coding change: c.5906T>C on transcript NM_020693.4 (MANE Select); coding-DNA position 5906, T replaced by C.
Protein change: p.Leu1969Ser; replaces leucine 1969 with serine.
Molecular consequence: missense variant.
Genome position (GRCh38, 1-based): chr11:117,428,584, A>G on the plus strand (T>C on the coding strand, the complement: DSCAML1 is on the minus strand). VCF-style: chr11-117428584-A-G. GRCh37 (hg19) VCF-style: chr11-117299300-A-G.
Other names: short protein forms L1969S.
Identifiers: ClinVar variation 3696484 (VCV003696484.2).